The following is an entry in ClinVar:

NM_020381.4(PDSS2):c.242C>T (p.Ala81Val)

Gene: PDSS2 (decaprenyl diphosphate synthase subunit 2; minus strand). Cytogenetic location: 6q21.
Variant type: single nucleotide variant.
Coding change: c.242C>T on transcript NM_020381.4 (MANE Select); coding-DNA position 242, C replaced by T.
Protein change: p.Ala81Val; replaces alanine 81 with valine.
Molecular consequence: missense variant.
Genome position (GRCh38, 1-based): chr6:107,459,044, G>A on the plus strand (C>T on the coding strand, the complement: PDSS2 is on the minus strand). VCF-style: chr6-107459044-G-A. GRCh37 (hg19) VCF-style: chr6-107780248-G-A.
Other names: short protein forms A81V.
Identifiers: ClinVar variation 4072700 (VCV004072700.1).

ClinVar aggregate classification (germline): Uncertain significance (1 of 4 stars; one submission).

gnomAD v4.1: 3 of 1,614,176 alleles (0.00019%); highest among the groups gnomAD compares: Non-Finnish European, 0.00025%; no homozygotes.

Submission:

GeneDx
Classification: Uncertain significance. Last evaluated: 2025-01-31. Review status: criteria provided, single submitter. Criteria: GeneDx Variant Classification Process June 2021. Collection method: clinical testing. Allele origin: germline. Affected: yes.
Comment: Not observed at significant frequency in large population cohorts (gnomAD); In silico analysis supports that this missense variant has a deleterious effect on protein structure/function; Has not been previously published as pathogenic or benign to our knowledge